The following is an entry in ClinVar:

NM_014975.3(MAST1):c.1274T>G (p.Ile425Ser)

Gene: MAST1 (microtubule associated serine/threonine kinase 1; plus strand). Cytogenetic location: 19p13.13.
Variant type: single nucleotide variant.
Coding change: c.1274T>G on transcript NM_014975.3 (MANE Select); coding-DNA position 1274, T replaced by G.
Protein change: p.Ile425Ser; replaces isoleucine 425 with serine.
Molecular consequence: missense variant.
Genome position (GRCh38, 1-based): chr19:12,858,647, T>G. VCF-style: chr19-12858647-T-G. GRCh37 (hg19) VCF-style: chr19-12969461-T-G.
Other names: short protein forms I425S.
Identifiers: ClinVar variation 3572725 (VCV003572725.1).
Genomic context (GRCh38, chr19:12,858,647, plus strand): 5'-TCAACAAGCAGAACTTGATCCTCCGCAACCAGATCCAGCAGGCCTTTGTGGAGCGCGATA[T>G]CCTCACCTTCGCCGAGAACCCGTTTGTGGTCGGCATGTTCTGCTCCTTTGAGACTCGGCG-3'
Protein context (NP_055790.1, residues 415-435): QIQQAFVERD[Ile425Ser]LTFAENPFVV

ClinVar aggregate classification (germline): Uncertain significance (1 of 4 stars; one submission).

Submission:

GeneDx
Classification: Uncertain significance. Last evaluated: 2024-07-13. Review status: criteria provided, single submitter. Criteria: GeneDx Variant Classification Process June 2021. Collection method: clinical testing. Allele origin: germline. Affected: yes.
Comment: Not observed at significant frequency in large population cohorts (gnomAD); In silico analysis supports that this missense variant has a deleterious effect on protein structure/function; Has not been previously published as pathogenic or benign to our knowledge